The following is an entry in ClinVar:

ClinVar aggregate classification (germline): Uncertain significance (1 of 4 stars; one submission).

Conditions:
Hereditary cancer-predisposing syndrome. Also called: Neoplastic Syndromes, Hereditary; Tumor predisposition; Hereditary Cancer Syndrome; Hereditary neoplastic syndrome. Identifiers: Orphanet 140162, MedGen C0027672, MeSH D009386, MONDO:0015356.

Submission:

Color Diagnostics, LLC DBA Color Health
Classification: Uncertain significance for Hereditary cancer-predisposing syndrome. Last evaluated: 2023-12-05. Review status: criteria provided, single submitter. Criteria: ACMG Guidelines, 2015. Collection method: clinical testing. Allele origin: germline.
Comment: This missense variant replaces leucine with arginine at codon 1521 of the BRCA2 protein. To our knowledge, functional studies have not been reported for this variant. This variant has not been reported in individuals affected with hereditary cancer in the literature. This variant has not been identified in the general population by the Genome Aggregation Database (gnomAD). The available evidence is insufficient to determine the role of this variant in disease conclusively. Therefore, this variant is classified as a Variant of Uncertain Significance.

NM_000059.4(BRCA2):c.4562_4563delinsGG (p.Leu1521Arg)

Gene: BRCA2 (BRCA2 DNA repair associated; plus strand). Cytogenetic location: 13q13.1.
Variant type: Indel.
Coding change: c.4562_4563delinsGG on transcript NM_000059.4 (MANE Select); coding-DNA positions 4562 to 4563, TA replaced by GG.
Protein change: p.Leu1521Arg; replaces leucine 1521 with arginine.
Molecular consequence: missense variant. On other transcripts: non-coding transcript variant (1), intron variant (2).
Genome position (GRCh38, 1-based): chr13:32,338,917-32,338,918, TA replaced by GG. VCF-style: chr13-32338917-TA-GG. GRCh37 (hg19) VCF-style: chr13-32913054-TA-GG.
Other names: c.4562_4563delinsGG, p.Leu1521Arg (NM_001406719.1, NM_001406720.1); c.1909+5530_1909+5531delinsGG (NM_001406721.1); c.425-5641_425-5640delinsGG (NM_001406722.1); short protein forms L1521R.
Identifiers: ClinVar variation 2774910 (VCV002774910.2), dbSNP rs1555283849, ClinGen allele CA2697551743.